The following is an entry in ClinVar:

ClinVar aggregate classification (germline): Uncertain significance (1 of 4 stars; one submission).

Conditions:
Meckel-Gruber syndrome. Also called: DYSENCEPHALIA SPLANCHNOCYSTICA; GRUBER SYNDROME; Dysencephalia splachnocystica. Identifiers: Orphanet 564, MedGen C0265215, MONDO:0018921.
Joubert syndrome. Also called: CEREBELLOPARENCHYMAL DISORDER IV; JOUBERT-BOLTSHAUSER SYNDROME; Familial aplasia of the vermis. Identifiers: Orphanet 475, MedGen C5979921, MONDO:0018772.

Allele frequency attached by ClinVar (database versions not stated): gnomAD exomes below 0.00001; ExAC 0.00001; ESP Exome Variant Server 0.00008.
gnomAD v4.1: 5 of 1,613,466 alleles (0.00031%); highest among the groups gnomAD compares: Non-Finnish European, 0.00034%; no homozygotes.

Submission:

Labcorp Genetics (formerly Invitae), Labcorp
Classification: Uncertain significance for Joubert syndrome; Meckel-Gruber syndrome. Last evaluated: 2021-09-01. Review status: criteria provided, single submitter. Criteria: Invitae Variant Classification Sherloc (09022015). Collection method: clinical testing. Allele origin: germline.
Comment: This sequence change replaces aspartic acid with tyrosine at codon 979 of the RPGRIP1L protein (p.Asp979Tyr). The aspartic acid residue is highly conserved and there is a large physicochemical difference between aspartic acid and tyrosine. This variant is present in population databases (rs370687136, ExAC 0.002%). This variant has not been reported in the literature in individuals affected with RPGRIP1L-related conditions. Algorithms developed to predict the effect of missense changes on protein structure and function are either unavailable or do not agree on the potential impact of this missense change (SIFT: "Deleterious"; PolyPhen-2: "Probably Damaging"; Align-GVGD: "Class C15"). In summary, the available evidence is currently insufficient to determine the role of this variant in disease. Therefore, it has been classified as a Variant of Uncertain Significance.

NM_015272.5(RPGRIP1L):c.2935G>T (p.Asp979Tyr)

Gene: RPGRIP1L (RPGRIP1 like; minus strand). Cytogenetic location: 16q12.2.
Variant type: single nucleotide variant.
Coding change: c.2935G>T on transcript NM_015272.5 (MANE Select); coding-DNA position 2935, G replaced by T.
Protein change: p.Asp979Tyr; replaces aspartic acid 979 with tyrosine.
Molecular consequence: missense variant.
Genome position (GRCh38, 1-based): chr16:53,641,056, C>A on the plus strand (G>T on the coding strand, the complement: RPGRIP1L is on the minus strand). VCF-style: chr16-53641056-C-A. GRCh37 (hg19) VCF-style: chr16-53674968-C-A.
Other names: c.2935G>T, p.Asp979Tyr (NM_001127897.4, NM_001308334.3, NM_001330538.2); short protein forms D979Y.
Identifiers: ClinVar variation 1480584 (VCV001480584.5), dbSNP rs370687136, ClinGen allele CA8057416.